The following is an entry in ClinVar:

NM_000138.5(FBN1):c.3785G>A (p.Arg1262Lys)

Gene: FBN1 (fibrillin 1; minus strand). Cytogenetic location: 15q21.1.
Variant type: single nucleotide variant.
Coding change: c.3785G>A on transcript NM_000138.5 (MANE Select); coding-DNA position 3785, G replaced by A.
Protein change: p.Arg1262Lys; replaces arginine 1262 with lysine.
Molecular consequence: missense variant.
Genome position (GRCh38, 1-based): chr15:48,483,871, C>T on the plus strand (G>A on the coding strand, the complement: FBN1 is on the minus strand). VCF-style: chr15-48483871-C-T. GRCh37 (hg19) VCF-style: chr15-48776068-C-T.
Other names: short protein forms R1262K.
Identifiers: ClinVar variation 406297 (VCV000406297.17), dbSNP rs371103773, ClinGen allele CA051513.

ClinVar aggregate classification (germline): Conflicting classifications of pathogenicity. Review status: criteria provided, conflicting classifications (1 of 4 stars). 4 submissions from 4 submitters: Uncertain significance (3); Likely benign (1). Last evaluated 2025-07-23.

Conditions:
Familial thoracic aortic aneurysm and aortic dissection (TAAD). Also called: Thoracic aortic aneurysms and dissections. Identifiers: Orphanet 91387, MedGen C4707243, MONDO:0019625.
Marfan syndrome (MFS). Also called: Marfan syndrome, classic; Marfan syndrome type 1; Marfan's syndrome; MARFAN SYNDROME, TYPE I; FBN1-Related Marfan Syndrome. Identifiers: Orphanet 284963, Orphanet 558, MedGen C0024796, MONDO:0007947, OMIM 154700.
Geleophysic dysplasia 2 (GPHYSD2). Identifiers: Orphanet 2623, MedGen C3280054, MONDO:0013612, OMIM 614185.
Ectopia lentis 1, isolated, autosomal dominant (ECTOL1). Identifiers: Orphanet 1885, MedGen C3541518, MONDO:0007514, OMIM 129600.
Weill-Marchesani syndrome 2, dominant. Also called: FBN1-Related Weill-Marchesani Syndrome; Weill-Marchesani Syndrome, Autosomal Dominant. Identifiers: Orphanet 2084, MedGen C1869115, MONDO:0012013, OMIM 608328.
MASS syndrome (OCTD). Also called: OVERLAP CONNECTIVE TISSUE DISEASE; MASS PHENOTYPE. Identifiers: MedGen C1858556, MONDO:0011431, OMIM 604308.
Stiff skin syndrome (SSKS). Identifiers: Orphanet 2833, MedGen C1861456, MONDO:0008492, OMIM 184900.
Progeroid and marfanoid aspect-lipodystrophy syndrome. Also called: MARFANOID-PROGEROID SYNDROME; MARFAN-PROGEROID-LIPODYSTROPHY SYNDROME; Marfan lipodystrophy syndrome; MARFANOID-PROGEROID-LIPODYSTROPHY SYNDROME. Identifiers: Orphanet 300382, MedGen C4310796, MONDO:0014831, OMIM 616914.
Acromicric dysplasia (ACMICD). Also called: Acromicric skeletal dysplasia. Identifiers: Orphanet 969, MedGen C0265287, MONDO:0007055, OMIM 102370.

Allele frequency attached by ClinVar (database versions not stated): gnomAD exomes 0.00002 and 0.00001; gnomAD 0.00002; ESP Exome Variant Server 0.00008; TOPMed 0.00002; ExAC 0.00003.
gnomAD v4.1: 12 of 1,613,634 alleles (0.00074%); highest among the groups gnomAD compares: Non-Finnish European, 0.001%; no homozygotes.

Submissions (4):

Labcorp Genetics (formerly Invitae), Labcorp
Classification: Likely benign for Marfan syndrome; Familial thoracic aortic aneurysm and aortic dissection. Last evaluated: 2025-07-23. Review status: criteria provided, single submitter. Criteria: Invitae Variant Classification Sherloc (09022015). Collection method: clinical testing. Allele origin: germline.

Color Diagnostics, LLC DBA Color Health
Classification: Uncertain significance for Familial thoracic aortic aneurysm and aortic dissection. Last evaluated: 2025-05-13. Review status: criteria provided, single submitter. Criteria: ACMG Guidelines, 2015. Collection method: clinical testing. Allele origin: germline.
Comment: This missense variant replaces arginine with lysine at codon 1262 of the FBN1 protein. Computational prediction suggests that this variant may not impact protein structure and function. To our knowledge, functional studies have not been reported for this variant. This variant has not been reported in individuals affected with FBN1-related disorders in the literature. This variant has been identified in 5/251120 chromosomes in the general population by the Genome Aggregation Database (gnomAD). The available evidence is insufficient to determine the role of this variant in disease conclusively. Therefore, this variant is classified as a Variant of Uncertain Significance.

All of Us Research Program, National Institutes of Health
Classification: Uncertain significance for Marfan syndrome. Last evaluated: 2023-11-28. Review status: criteria provided, single submitter. Criteria: ACMG Guidelines, 2015. Collection method: clinical testing. Allele origin: germline. Inheritance: Autosomal dominant inheritance. Observed: 4 variant alleles, 4 heterozygotes.
Comment: This missense variant replaces arginine with lysine at codon 1262 of the FBN1 protein. Computational prediction tools and conservation analyses are inconclusive regarding the impact of this variant on protein function. Computational splicing tools suggest that this variant may not impact RNA splicing. To our knowledge, functional assays have not been performed for this variant nor has this variant been reported in individuals affected with cardiovascular disorders in the literature. This variant has been identified in 5/251120 chromosomes in the general population by the Genome Aggregation Database (gnomAD). Available evidence is insufficient to determine the role of this variant in disease conclusively. Therefore, this variant is classified as a Variant of Uncertain Significance.

This study involves interpretation of variants in research participants for the purpose of population health screening. Participant phenotype was not available at the time of variant classification. Additional details can be found in publication PMID: 35346344, PMCID: PMC8962531

Fulgent Genetics
Classification: Uncertain significance for Acromicric dysplasia; Ectopia lentis 1, isolated, autosomal dominant; Marfan syndrome; Stiff skin syndrome; MASS syndrome; Weill-Marchesani syndrome 2, dominant; Geleophysic dysplasia 2; Progeroid and marfanoid aspect-lipodystrophy syndrome. Last evaluated: 2021-10-20. Review status: criteria provided, single submitter. Criteria: ACMG Guidelines, 2015. Collection method: clinical testing. Allele origin: unknown.